The following is an entry in ClinVar:

NM_002691.4(POLD1):c.2458G>T (p.Ala820Ser)

Gene: POLD1 (DNA polymerase delta 1, catalytic subunit; plus strand). Cytogenetic location: 19q13.33.
Variant type: single nucleotide variant.
Coding change: c.2458G>T on transcript NM_002691.4 (MANE Select); coding-DNA position 2458, G replaced by T.
Protein change: p.Ala820Ser; replaces alanine 820 with serine.
Molecular consequence: missense variant. On other transcripts: non-coding transcript variant (1).
Genome position (GRCh38, 1-based): chr19:50,414,884, G>T. VCF-style: chr19-50414884-G-T. GRCh37 (hg19) VCF-style: chr19-50918141-G-T.
Other names: c.2458G>T, p.Ala820Ser (NM_001256849.1); c.2536G>T, p.Ala846Ser (NM_001308632.1); short protein forms A820S, A846S.
Identifiers: ClinVar variation 469266 (VCV000469266.11), dbSNP rs753609023, ClinGen allele CA406984796.

ClinVar aggregate classification (germline): Uncertain significance. Review status: criteria provided, multiple submitters, no conflicts (2 of 4 stars). 2 submissions from 2 submitters: Uncertain significance (2). Last evaluated 2022-02-25.

Conditions:
POLD1-related polyposis and colorectal cancer syndrome (CRCS10). Also called: Colorectal cancer 10; COLORECTAL CANCER, SUSCEPTIBILITY TO, ON CHROMOSOME 19q; Colorectal cancer, susceptibility to, 10. Identifiers: Orphanet 220460, MedGen C2675481, MONDO:0012953, OMIM 612591.
Hereditary cancer-predisposing syndrome. Also called: Neoplastic Syndromes, Hereditary; Hereditary neoplastic syndrome; Tumor predisposition; Hereditary Cancer Syndrome. Identifiers: Orphanet 140162, MedGen C0027672, MeSH D009386, MONDO:0015356.

gnomAD v4.1: 1 of 1,607,188 alleles (0.000062%); highest among the groups gnomAD compares: South Asian, 0.0011%; no homozygotes.

Submissions (2):

Labcorp Genetics (formerly Invitae), Labcorp
Classification: Uncertain significance for POLD1-related polyposis and colorectal cancer syndrome. Last evaluated: 2022-02-25. Review status: criteria provided, single submitter. Criteria: Invitae Variant Classification Sherloc (09022015). Collection method: clinical testing. Allele origin: germline.
Comment: In summary, the available evidence is currently insufficient to determine the role of this variant in disease. Therefore, it has been classified as a Variant of Uncertain Significance. Algorithms developed to predict the effect of missense changes on protein structure and function output the following: SIFT: "Tolerated"; PolyPhen-2: "Benign"; Align-GVGD: "Class C0". The serine amino acid residue is found in multiple mammalian species, which suggests that this missense change does not adversely affect protein function. ClinVar contains an entry for this variant (Variation ID: 469266). This variant has not been reported in the literature in individuals affected with POLD1-related conditions. This variant is not present in population databases (gnomAD no frequency). This sequence change replaces alanine, which is neutral and non-polar, with serine, which is neutral and polar, at codon 820 of the POLD1 protein (p.Ala820Ser).

Ambry Genetics
Classification: Uncertain significance for Hereditary cancer-predisposing syndrome. Last evaluated: 2021-12-06. Review status: criteria provided, single submitter. Criteria: Ambry Variant Classification Scheme 2023. Collection method: clinical testing. Allele origin: germline.
Comment: The p.A820S variant (also known as c.2458G>T), located in coding exon 19 of the POLD1 gene, results from a G to T substitution at nucleotide position 2458. The alanine at codon 820 is replaced by serine, an amino acid with similar properties. This amino acid position is conserved. In addition, this alteration is predicted to be tolerated by in silico analysis. Since supporting evidence is limited at this time, the clinical significance of this alteration remains unclear.